The following is an entry in ClinVar:

NM_005051.3(QARS1):c.901C>T (p.Arg301Cys)

Gene: QARS1 (glutaminyl-tRNA synthetase 1; minus strand). Cytogenetic location: 3p21.31.
Variant type: single nucleotide variant.
Coding change: c.901C>T on transcript NM_005051.3 (MANE Select); coding-DNA position 901, C replaced by T.
Protein change: p.Arg301Cys; replaces arginine 301 with cysteine.
Molecular consequence: missense variant. On other transcripts: non-coding transcript variant (1).
Genome position (GRCh38, 1-based): chr3:49,100,650, G>A on the plus strand (C>T on the coding strand, the complement: QARS1 is on the minus strand). VCF-style: chr3-49100650-G-A. GRCh37 (hg19) VCF-style: chr3-49138083-G-A.
Other names: c.868C>T, p.Arg290Cys (NM_001272073.2); c.901C>T (NM_005051.1); short protein forms R301C, R290C.
Identifiers: ClinVar variation 566382 (VCV000566382.10), dbSNP rs1370265763, ClinGen allele CA352712508.
Genomic context (GRCh38, chr3:49,100,650, plus strand): 5'-TGTCACAGATGGCCGTGAAGAACTTTGCTTCCTCCTTCTCAGGGTTGGTGTCATCAAAAC[G>A]CAGAAAACAGATGCCATTGTTGGCCTAGGAAAGTTGCACCATCTGTGAACTCCCACATCA-3'
Protein context (NP_005042.1, residues 291-311): AKANNGICFL[Arg301Cys]FDDTNPEKEE

ClinVar aggregate classification (germline): Uncertain significance. Review status: criteria provided, multiple submitters, no conflicts (2 of 4 stars). 3 submissions from 3 submitters: Uncertain significance (3). Last evaluated 2025-08-05.

Conditions:
Inborn genetic diseases. Identifiers: MedGen C0950123, MeSH D030342.
Diffuse cerebral and cerebellar atrophy - intractable seizures - progressive microcephaly syndrome. Also called: Microcephaly, progressive, with seizures and cerebral and cerebellar atrophy. Identifiers: Orphanet 404437, MedGen C4014239, MONDO:0014335, OMIM 615760.

Allele frequency attached by ClinVar (database versions not stated): TOPMed 0.00003; gnomAD exomes 0.00006 and 0.00004; gnomAD 0.00005 and 0.00006.
gnomAD v4.1: 97 of 1,606,018 alleles (0.006%); highest among the groups gnomAD compares: Non-Finnish European, 0.0082%; no homozygotes.

Submissions (3):

GeneDx
Classification: Uncertain significance. Last evaluated: 2025-08-05. Review status: criteria provided, single submitter. Criteria: GeneDx Variant Classification Process June 2021. Collection method: clinical testing. Allele origin: germline. Affected: yes.
Comment: Has not been previously published as pathogenic or benign to our knowledge; Not observed at significant frequency in large population cohorts (gnomAD); In silico analysis supports that this missense variant has a deleterious effect on protein structure/function; In silico analysis suggests this variant may impact gene splicing. In the absence of RNA/functional studies, the actual effect of this sequence change is unknown.; This variant is associated with the following publications: (PMID: 25471517)

Ambry Genetics
Classification: Uncertain significance for Inborn genetic diseases. Last evaluated: 2024-11-27. Review status: criteria provided, single submitter. Criteria: Ambry Variant Classification Scheme 2023. Collection method: clinical testing. Allele origin: germline.

Labcorp Genetics (formerly Invitae), Labcorp
Classification: Uncertain significance for Diffuse cerebral and cerebellar atrophy - intractable seizures - progressive microcephaly syndrome. Last evaluated: 2022-08-16. Review status: criteria provided, single submitter. Criteria: Invitae Variant Classification Sherloc (09022015). Collection method: clinical testing. Allele origin: germline.
Comment: This sequence change replaces arginine, which is basic and polar, with cysteine, which is neutral and slightly polar, at codon 301 of the QARS protein (p.Arg301Cys). This variant is present in population databases (no rsID available, gnomAD 0.008%). This variant has not been reported in the literature in individuals affected with QARS-related conditions. ClinVar contains an entry for this variant (Variation ID: 566382). Algorithms developed to predict the effect of missense changes on protein structure and function (SIFT, PolyPhen-2, Align-GVGD) all suggest that this variant is likely to be disruptive. Algorithms developed to predict the effect of sequence changes on RNA splicing suggest that this variant may create or strengthen a splice site. In summary, the available evidence is currently insufficient to determine the role of this variant in disease. Therefore, it has been classified as a Variant of Uncertain Significance.